The following is an entry in ClinVar:

NM_001042492.3(NF1):c.1738_1739insTTTTTTTTTTTTTTTTTTTTNNNNNNNNNNGACCTCGTGATCCGCCCGCCTCGGCCTCCCAAAGTGCTGGGATTACAGGCGTGAGCCACCGCGCCCGGCCTACAAATGCTTTTTT (p.Tyr580fs)

Gene: NF1 (neurofibromin 1; plus strand). Cytogenetic location: 17q11.2.
Variant type: Insertion.
Coding change: c.1738_1739insTTTTTTTTTTTTTTTTTTTTNNNNNNNNNNGACCTCGTGATCCGCCCGCCTCGGCCTCCCAAAGTGCTGGGATTACAGGCGTGAGCCACCGCGCCCGGCCTACAAATGCTTTTTT on transcript NM_001042492.3 (MANE Select); coding-DNA positions 1738 to 1739, TTTTTTTTTTTTTTTTTTTTNNNNNNNNNNGACCTCGTGATCCGCCCGCCTCGGCCTCCCAAAGTGCTGGGATTACAGGCGTGAGCCACCGCGCCCGGCCTACAAATGCTTTTTT inserted.
Protein change: p.Tyr580fs; shifts the reading frame from tyrosine 580.
Molecular consequence: frameshift variant.
Genome position: GRCh38: chr17:31,223,460-31,223,461. GRCh37 (hg19): chr17:29,550,478-29,550,479.
Other names: c.1738_1739insTTTTTTTTTTTTTTTTTTTTNNNNNNNNNNGACCTCGTGATCCGCCCGCCTCGGCCTCCCAAAGTGCTGGGATTACAGGCGTGAGCCACCGCGCCCGGCCTACAAATGCTTTTTT, p.Tyr580Phefs (NM_000267.4); short protein forms Y580fs.
Identifiers: ClinVar variation 2090493 (VCV002090493.4), dbSNP rs2508124531.

ClinVar aggregate classification (germline): Pathogenic (1 of 4 stars; one submission).

Conditions:
Neurofibromatosis, type 1 (NF1). Also called: NEUROFIBROMATOSIS, TYPE I, SOMATIC; Neurofibromatosis, type I; Peripheral type neurofibromatosis; VON RECKLINGHAUSEN DISEASE. Identifiers: Orphanet 636, MedGen C0027831, MONDO:0018975, OMIM 162200. Disease mechanism: loss of function.

Submission:

Labcorp Genetics (formerly Invitae), Labcorp
Classification: Pathogenic for Neurofibromatosis, type 1. Last evaluated: 2022-01-27. Review status: criteria provided, single submitter. Criteria: Invitae Variant Classification Sherloc (09022015). Collection method: clinical testing. Allele origin: germline.
Comment: This sequence change inserts a large fragment of DNA, likely a transposable element, in exon 16 of the NF1 gene (c.1738_1739ins?), causing a frameshift at codon 580 (p.Tyr580fs). The exact size and sequence of the insertion cannot be determined by the current assay. However, the insertion is expected to result in an absent or disrupted protein product. This variant is not present in population databases (gnomAD no frequency). This variant has not been reported in the literature in individuals affected with NF1-related conditions. Algorithms developed to predict the effect of sequence changes on RNA splicing suggest that this variant may create or strengthen a splice site. Retrotransposon insertions including LINE1 (L1), Alu, and SVA (SINE-VNTR-Alu) have been reported to be disease-causing through disruption of either a coding region or splice site (PMID: 19763152, 20307669, 22406018) and loss-of-function variants in NF1 are known to be pathogenic (PMID: 10712197, 23913538). For these reasons, this variant has been classified as Pathogenic.

Literature cited by the submitters: PubMed 19763152; PubMed 20307669; PubMed 22406018; PubMed 10712197; PubMed 23913538.